The following is an entry in ClinVar:

NM_022835.3(PLEKHG2):c.312G>C (p.Glu104Asp)

Gene: PLEKHG2 (pleckstrin homology and RhoGEF domain containing G2; plus strand). Cytogenetic location: 19q13.2.
Variant type: single nucleotide variant.
Coding change: c.312G>C on transcript NM_022835.3 (MANE Select); coding-DNA position 312, G replaced by C.
Protein change: p.Glu104Asp; replaces glutamic acid 104 with aspartic acid.
Molecular consequence: missense variant.
Genome position (GRCh38, 1-based): chr19:39,415,194, G>C. VCF-style: chr19-39415194-G-C. GRCh37 (hg19) VCF-style: chr19-39905834-G-C.
Other names: c.135G>C, p.Glu45Asp (NM_001351693.2); c.312G>C, p.Glu104Asp (NM_001351694.2); short protein forms E45D, E104D.
Identifiers: ClinVar variation 3890298 (VCV003890298.3).

ClinVar aggregate classification (germline): Uncertain significance. Review status: criteria provided, multiple submitters, no conflicts (2 of 4 stars). 2 submissions from 2 submitters: Uncertain significance (2). Last evaluated 2026-02-05.

gnomAD v4.1: 12 of 1,589,154 alleles (0.00076%); highest among the groups gnomAD compares: African/African-American, 0.015%; no homozygotes.

Submissions (2):

GeneDx
Classification: Uncertain significance. Last evaluated: 2026-02-05. Review status: criteria provided, single submitter. Criteria: GeneDx Variant Classification Process June 2021. Collection method: clinical testing. Allele origin: germline.
Comment: In silico analysis suggests that this missense variant does not alter protein structure/function; Has not been previously published as pathogenic or benign to our knowledge

Ambry Genetics
Classification: Uncertain significance. Last evaluated: 2025-01-27. Review status: criteria provided, single submitter. Criteria: Ambry Variant Classification Scheme 2023. Collection method: clinical testing. Allele origin: germline.